The following is an entry in ClinVar:

NM_014714.4(IFT140):c.2690G>A (p.Arg897His)

Gene: IFT140 (intraflagellar transport 140; minus strand). Cytogenetic location: 16p13.3.
Variant type: single nucleotide variant.
Coding change: c.2690G>A on transcript NM_014714.4 (MANE Select); coding-DNA position 2690, G replaced by A.
Protein change: p.Arg897His; replaces arginine 897 with histidine.
Molecular consequence: missense variant.
Genome position (GRCh38, 1-based): chr16:1,525,965, C>T on the plus strand (G>A on the coding strand, the complement: IFT140 is on the minus strand). VCF-style: chr16-1525965-C-T. GRCh37 (hg19) VCF-style: chr16-1575966-C-T.
Other names: short protein forms R897H.
Identifiers: ClinVar variation 854220 (VCV000854220.13), dbSNP rs745863942, ClinGen allele CA7813529.

ClinVar aggregate classification (germline): Uncertain significance. Review status: criteria provided, multiple submitters, no conflicts (2 of 4 stars). 5 submissions from 5 submitters: Uncertain significance (5). Last evaluated 2026-08-28.

Conditions:
IFT140-related disorder. Also called: IFT140-related condition.
Inborn genetic diseases. Identifiers: MedGen C0950123, MeSH D030342.
Retinitis pigmentosa 80 (RP80). Identifiers: MedGen C4540439, MONDO:0054708, OMIM 617781.
Saldino-Mainzer syndrome (SRTD9). Also called: short-rib thoracic dysplasia 9 with or without polydactyly; Renal dysplasia, retinal pigmentary dystrophy, cerebellar ataxia and skeletal dysplasia; CONORENAL SYNDROME; SHORT-RIB THORACIC DYSPLASIA 9 WITHOUT POLYDACTYLY. Identifiers: Orphanet 140969, MedGen C1849437, MONDO:0009964, OMIM 266920.

Allele frequency attached by ClinVar (database versions not stated): gnomAD exomes 0.00001; ExAC 0.00003; TOPMed 0.00006.
gnomAD v4.1: 14 of 1,586,226 alleles (0.00088%); highest among the groups gnomAD compares: Middle Eastern, 0.018%; no homozygotes.

Submissions (5):

PreventionGenetics, part of Exact Sciences
Classification: Uncertain significance for IFT140-related condition. Last evaluated: 2026-08-28. Review status: criteria provided, single submitter. Criteria: ACMG Guidelines, 2015. Collection method: clinical testing. Allele origin: germline.
Comment: The IFT140 c.2690G>A variant is predicted to result in the amino acid substitution p.Arg897His. To our knowledge, this variant has not been reported in the literature. This variant is reported in 0.0067% of alleles in individuals of Latino descent in gnomAD. At this time, the clinical significance of this variant is uncertain due to the absence of conclusive functional and genetic evidence.

Labcorp Genetics (formerly Invitae), Labcorp
Classification: Uncertain significance for Saldino-Mainzer syndrome. Last evaluated: 2026-01-07. Review status: criteria provided, single submitter. Criteria: Invitae Variant Classification Sherloc (09022015). Collection method: clinical testing. Allele origin: germline.
Comment: This sequence change replaces arginine, which is basic and polar, with histidine, which is basic and polar, at codon 897 of the IFT140 protein (p.Arg897His). The frequency data for this variant in the population databases is considered unreliable, as metrics indicate poor data quality at this position in the gnomAD database. This variant has not been reported in the literature in individuals affected with IFT140-related conditions. ClinVar contains an entry for this variant (Variation ID: 854220). Invitae Evidence Modeling of protein sequence and biophysical properties (such as structural, functional, and spatial information, amino acid conservation, physicochemical variation, residue mobility, and thermodynamic stability) has been performed for this missense variant. However, the output from this modeling did not meet the statistical confidence thresholds required to predict the impact of this variant on IFT140 protein function. In summary, the available evidence is currently insufficient to determine the role of this variant in disease. Therefore, it has been classified as a Variant of Uncertain Significance.

Fulgent Genetics
Classification: Uncertain significance for Saldino-Mainzer syndrome; Retinitis pigmentosa 80. Last evaluated: 2024-05-01. Review status: criteria provided, single submitter. Criteria: ACMG Guidelines, 2015. Collection method: clinical testing. Allele origin: germline.

Blueprint Genetics
Classification: Uncertain significance. Last evaluated: 2022-12-14. Review status: criteria provided, single submitter. Criteria: ACMG Guidelines, 2015. Collection method: clinical testing. Allele origin: germline.

Ambry Genetics
Classification: Uncertain significance for Inborn genetic diseases. Last evaluated: 2022-06-10. Review status: criteria provided, single submitter. Criteria: Ambry Variant Classification Scheme 2023. Collection method: clinical testing. Allele origin: germline.